The following is an entry in ClinVar:

NM_000834.5(GRIN2B):c.274C>T (p.Arg92Trp)

Gene: GRIN2B (glutamate ionotropic receptor NMDA type subunit 2B; minus strand). Cytogenetic location: 12p13.1.
Variant type: single nucleotide variant.
Coding change: c.274C>T on transcript NM_000834.5 (MANE Select); coding-DNA position 274, C replaced by T.
Protein change: p.Arg92Trp; replaces arginine 92 with tryptophan.
Molecular consequence: missense variant.
Genome position (GRCh38, 1-based): chr12:13,865,935, G>A on the plus strand (C>T on the coding strand, the complement: GRIN2B is on the minus strand). VCF-style: chr12-13865935-G-A. GRCh37 (hg19) VCF-style: chr12-14018869-G-A.
Other names: c.274C>T (NM_000834.3); short protein forms R92W.
Identifiers: ClinVar variation 1391513 (VCV001391513.7), dbSNP rs1436757161, ClinGen allele CA384054134.

ClinVar aggregate classification (germline): Uncertain significance. Review status: criteria provided, multiple submitters, no conflicts (2 of 4 stars). 2 submissions from 2 submitters: Uncertain significance (2). Last evaluated 2025-08-13.

Conditions:
Inborn genetic diseases. Identifiers: MedGen C0950123, MeSH D030342.
Intellectual developmental disorder, autosomal dominant 6, with or without seizures. Also called: GRIN2B-related developmental delay, intellectual disability and autism spectrum disorder; Intellectual disability, autosomal dominant 6. Identifiers: Orphanet 589547, MedGen C3151411, MONDO:0013509, OMIM 613970.
Developmental and epileptic encephalopathy, 27 (DEE27). Also called: GRIN2B-Related Neurodevelopmental Disorder; Epileptic encephalopathy, early infantile, 27. Identifiers: Orphanet 3451, MedGen C4015316, MONDO:0014505, OMIM 616139.

Allele frequency attached by ClinVar (database versions not stated): gnomAD exomes 0.00001; gnomAD 0.00001; TOPMed 0.00001.

Submissions (2):

Labcorp Genetics (formerly Invitae), Labcorp
Classification: Uncertain significance for Developmental and epileptic encephalopathy, 27; Intellectual developmental disorder, autosomal dominant 6, with or without seizures. Last evaluated: 2025-08-13. Review status: criteria provided, single submitter. Criteria: Invitae Variant Classification Sherloc (09022015). Collection method: clinical testing. Allele origin: germline.
Comment: This sequence change replaces arginine, which is basic and polar, with tryptophan, which is neutral and slightly polar, at codon 92 of the GRIN2B protein (p.Arg92Trp). This variant is present in population databases (no rsID available, gnomAD 0.002%). This missense change has been observed in individual(s) with West syndrome (internal data). ClinVar contains an entry for this variant (Variation ID: 1391513). Invitae Evidence Modeling of protein sequence and biophysical properties (such as structural, functional, and spatial information, amino acid conservation, physicochemical variation, residue mobility, and thermodynamic stability) has been performed for this missense variant. However, the output from this modeling did not meet the statistical confidence thresholds required to predict the impact of this variant on GRIN2B protein function. In summary, the available evidence is currently insufficient to determine the role of this variant in disease. Therefore, it has been classified as a Variant of Uncertain Significance.

Ambry Genetics
Classification: Uncertain significance for Inborn genetic diseases. Last evaluated: 2022-07-27. Review status: criteria provided, single submitter. Criteria: Ambry Variant Classification Scheme 2023. Collection method: clinical testing. Allele origin: germline.